The following is an entry in ClinVar:

NM_000182.5(HADHA):c.1554del (p.Asp520fs)

Genes: HADHA (hydroxyacyl-CoA dehydrogenase trifunctional multienzyme complex subunit alpha; minus strand), GAREM2 (GRB2 associated regulator of MAPK1 subtype 2; plus strand). Cytogenetic location: 2p23.3.
Variant type: Deletion.
Coding change: c.1554del on transcript NM_000182.5 (MANE Select); coding-DNA position 1554, one base deleted (C; older notation c.1554delC).
Protein change: p.Asp520fs; shifts the reading frame from aspartic acid 520.
Molecular consequence: frameshift variant.
Genome position (GRCh38, 1-based): chr2:26,195,158, G deleted on the plus strand (C on the coding strand, the reverse complement: HADHA is on the minus strand); the first of 2 consecutive G bases (chr2:26,195,158-26,195,159); deleting either gives the same sequence. VCF-style (leftmost placement, unchanged base first): chr2-26195157-TG-T. GRCh37 (hg19) VCF-style: chr2-26418026-TG-T.
Other names: short protein forms D520fs.
Identifiers: ClinVar variation 1452124 (VCV001452124.6), dbSNP rs2147753630, ClinGen allele CA2573134476.

ClinVar aggregate classification (germline): Pathogenic (1 of 4 stars; one submission).

Conditions:
Mitochondrial trifunctional protein deficiency. Identifiers: Orphanet 746, MedGen C1969443, MONDO:0012172.
Long chain 3-hydroxyacyl-CoA dehydrogenase deficiency. Also called: LCHAD Deficiency; Deficiency of long-chain 3-hydroxyacyl-coenzyme A dehydrogenase. Identifiers: Orphanet 5, MedGen C3711645, MONDO:0012173, OMIM 609016.

Submission:

Labcorp Genetics (formerly Invitae), Labcorp
Classification: Pathogenic for Mitochondrial trifunctional protein deficiency; Long chain 3-hydroxyacyl-CoA dehydrogenase deficiency. Last evaluated: 2021-03-25. Review status: criteria provided, single submitter. Criteria: Invitae Variant Classification Sherloc (09022015). Collection method: clinical testing. Allele origin: germline.
Comment: This sequence change creates a premature translational stop signal (p.Asp520Thrfs*7) in the HADHA gene. It is expected to result in an absent or disrupted protein product. Loss-of-function variants in HADHA are known to be pathogenic (PMID: 7738175, 21103935, 21549624, 22459206). This variant is not present in population databases (ExAC no frequency). This variant has not been reported in the literature in individuals with HADHA-related conditions. For these reasons, this variant has been classified as Pathogenic.

Literature cited by the submitters: PubMed 7738175; PubMed 21103935; PubMed 21549624; PubMed 22459206.